The following is an entry in ClinVar:

ClinVar aggregate classification (germline): Uncertain significance (1 of 4 stars; one submission).

Submission:

Labcorp Genetics (formerly Invitae), Labcorp
Classification: Uncertain significance. Last evaluated: 2020-07-08. Review status: criteria provided, single submitter. Criteria: Invitae Variant Classification Sherloc (09022015). Collection method: clinical testing. Allele origin: germline.
Comment: This variant has not been reported in the literature in individuals with RETREG1-related conditions. This variant is not present in population databases (ExAC no frequency). This sequence change replaces asparagine with serine at codon 483 of the RETREG1 protein (p.Asn483Ser). The asparagine residue is weakly conserved and there is a small physicochemical difference between asparagine and serine. In summary, the available evidence is currently insufficient to determine the role of this variant in disease. Therefore, it has been classified as a Variant of Uncertain Significance. Algorithms developed to predict the effect of sequence changes on RNA splicing suggest that this variant may create or strengthen a splice site, but this prediction has not been confirmed by published transcriptional studies. Algorithms developed to predict the effect of missense changes on protein structure and function output the following: SIFT: "Tolerated"; PolyPhen-2: "Benign"; Align-GVGD: "Class C0". The serine amino acid residue is found in multiple mammalian species, suggesting that this missense change does not adversely affect protein function. These predictions have not been confirmed by published functional studies and their clinical significance is uncertain.

NM_001034850.3(RETREG1):c.1448A>G (p.Asn483Ser)

Gene: RETREG1 (reticulophagy regulator 1; minus strand). Cytogenetic location: 5p15.1.
Variant type: single nucleotide variant.
Coding change: c.1448A>G on transcript NM_001034850.3 (MANE Select); coding-DNA position 1448, A replaced by G.
Protein change: p.Asn483Ser; replaces asparagine 483 with serine.
Molecular consequence: missense variant.
Genome position (GRCh38, 1-based): chr5:16,474,787, T>C on the plus strand (A>G on the coding strand, the complement: RETREG1 is on the minus strand). VCF-style: chr5-16474787-T-C. GRCh37 (hg19) VCF-style: chr5-16474896-T-C.
Other names: c.1025A>G, p.Asn342Ser (NM_019000.5); short protein forms N342S, N483S.
Identifiers: ClinVar variation 1006918 (VCV001006918.8), dbSNP rs1738452001, ClinGen allele CA359255403.